The following is an entry in ClinVar:

NM_001386298.1(CIC):c.6793G>T (p.Glu2265Ter)

Gene: CIC (capicua transcriptional repressor; plus strand). Cytogenetic location: 19q13.2.
Variant type: single nucleotide variant.
Coding change: c.6793G>T on transcript NM_001386298.1 (MANE Select); coding-DNA position 6793, G replaced by T.
Protein change: p.Glu2265Ter; replaces glutamic acid 2265 with a stop codon.
Molecular consequence: nonsense.
Genome position (GRCh38, 1-based): chr19:42,293,960, G>T. VCF-style: chr19-42293960-G-T. GRCh37 (hg19) VCF-style: chr19-42798112-G-T.
Other names: c.6793G>T, p.Glu2265Ter (NM_001304815.2); c.6790G>T, p.Glu2264Ter (NM_001379480.1, NM_001379482.1); c.4066G>T, p.Glu1356Ter (NM_001379484.1, NM_015125.5); c.4063G>T, p.Glu1355Ter (NM_001379485.1); short protein forms E1355*, E1356*, E2264*, E2265*.
Identifiers: ClinVar variation 1338808 (VCV001338808.1), dbSNP rs752780532, ClinGen allele CA406120706.

ClinVar aggregate classification (germline): Likely pathogenic (1 of 4 stars; one submission).

Conditions:
Intellectual developmental disorder, autosomal dominant 45. Also called: MENTAL RETARDATION, AUTOSOMAL DOMINANT 45; Intellectual disability, autosomal dominant 45. Identifiers: MedGen C4539848, MONDO:0030910, OMIM 617600.

Submission:

Institute of Human Genetics, University of Leipzig Medical Center
Classification: Likely pathogenic for Intellectual developmental disorder, autosomal dominant 45. Last evaluated: 2022-01-27. Review status: criteria provided, single submitter. Criteria: ACMG Guidelines, 2015. Collection method: clinical testing. Allele origin: unknown. Affected: yes.